The following is an entry in ClinVar:

ClinVar aggregate classification (germline): Uncertain significance (1 of 4 stars; one submission).

Conditions:
Hereditary cancer-predisposing syndrome. Also called: Hereditary neoplastic syndrome; Neoplastic Syndromes, Hereditary; Tumor predisposition; Hereditary Cancer Syndrome. Identifiers: Orphanet 140162, MedGen C0027672, MeSH D009386, MONDO:0015356.

Submission:

Ambry Genetics
Classification: Uncertain significance for Hereditary cancer-predisposing syndrome. Last evaluated: 2025-08-27. Review status: criteria provided, single submitter. Criteria: Ambry Variant Classification Scheme 2023. Collection method: clinical testing. Allele origin: germline.
Comment: The p.S24R variant (also known as c.72T>G), located in coding exon 2 of the MUTYH gene, results from a T to G substitution at nucleotide position 72. The serine at codon 24 is replaced by arginine, an amino acid with dissimilar properties. This amino acid position is conserved. In addition, this alteration is predicted to be tolerated by in silico analysis. Based on the available evidence, the clinical significance of this variant remains unclear.

NM_001048174.2(MUTYH):c.30T>G (p.Ser10Arg)

Gene: MUTYH (mutY DNA glycosylase; minus strand). Cytogenetic location: 1p34.1.
Variant type: single nucleotide variant.
Coding change: c.30T>G on transcript NM_001048174.2 (MANE Select); coding-DNA position 30, T replaced by G.
Protein change: p.Ser10Arg; replaces serine 10 with arginine.
Molecular consequence: missense variant. On other transcripts: 5 prime UTR variant (7), non-coding transcript variant (7).
Genome position (GRCh38, 1-based): chr1:45,334,476, A>C on the plus strand (T>G on the coding strand, the complement: MUTYH is on the minus strand). VCF-style: chr1-45334476-A-C. GRCh37 (hg19) VCF-style: chr1-45800148-A-C.
Other names: c.30T>G, p.Ser10Arg (NM_001048171.2, NM_001048172.2, NM_001048173.2 and 15 more transcripts); c.72T>G, p.Ser24Arg (NM_001128425.2, NM_001293190.2, NM_001407069.1 and 2 more transcripts); c.-183T>G (NM_001293192.2, NM_001293196.2, NM_001407091.1); c.-242T>G (NM_001350650.2); c.-178T>G (NM_001350651.2, NM_001407082.1); c.-127T>G (NM_001407075.1); c.48T>G, p.Ser16Arg (NM_001407087.1); short protein forms S24R, S16R, S10R.
Identifiers: ClinVar variation 4113807 (VCV004113807.1).